The following is an entry in ClinVar:

NM_002485.5(NBN):c.883G>A (p.Asp295Asn)

Gene: NBN (nibrin; minus strand). Cytogenetic location: 8q21.3.
Variant type: single nucleotide variant.
Coding change: c.883G>A on transcript NM_002485.5 (MANE Select); coding-DNA position 883, G replaced by A.
Protein change: p.Asp295Asn; replaces aspartic acid 295 with asparagine.
Molecular consequence: missense variant.
Genome position (GRCh38, 1-based): chr8:89,970,377, C>T on the plus strand (G>A on the coding strand, the complement: NBN is on the minus strand). VCF-style: chr8-89970377-C-T. GRCh37 (hg19) VCF-style: chr8-90982605-C-T.
Other names: c.637G>A, p.Asp213Asn (NM_001024688.3); short protein forms D213N, D295N.
Identifiers: ClinVar variation 1764847 (VCV001764847.2), dbSNP rs796945047, ClinGen allele CA181276279.

ClinVar aggregate classification (germline): Uncertain significance (1 of 4 stars; one submission).

Conditions:
Hereditary cancer-predisposing syndrome. Also called: Neoplastic Syndromes, Hereditary; Tumor predisposition; Hereditary Cancer Syndrome; Hereditary neoplastic syndrome. Identifiers: Orphanet 140162, MedGen C0027672, MeSH D009386, MONDO:0015356.

Allele frequency attached by ClinVar (database versions not stated): gnomAD exomes below 0.00001.

Submission:

Ambry Genetics
Classification: Uncertain significance for Hereditary cancer-predisposing syndrome. Last evaluated: 2022-06-30. Review status: criteria provided, single submitter. Criteria: Ambry Variant Classification Scheme 2023. Collection method: clinical testing. Allele origin: germline.
Comment: The p.D295N variant (also known as c.883G>A), located in coding exon 7 of the NBN gene, results from a G to A substitution at nucleotide position 883. The aspartic acid at codon 295 is replaced by asparagine, an amino acid with highly similar properties. This amino acid position is conserved. In addition, this alteration is predicted to be tolerated by in silico analysis. Since supporting evidence is limited at this time, the clinical significance of this alteration remains unclear.